The following is an entry in ClinVar:

NM_001376.5(DYNC1H1):c.6846C>T (p.His2282=)

Gene: DYNC1H1 (dynein cytoplasmic 1 heavy chain 1; plus strand). Cytogenetic location: 14q32.31.
Variant type: single nucleotide variant.
Coding change: c.6846C>T on transcript NM_001376.5 (MANE Select); coding-DNA position 6846, C replaced by T.
Protein change: p.His2282=; no amino-acid change (histidine 2282 retained).
Molecular consequence: synonymous variant.
Genome position (GRCh38, 1-based): chr14:102,012,102, C>T. VCF-style: chr14-102012102-C-T. GRCh37 (hg19) VCF-style: chr14-102478439-C-T.
Identifiers: ClinVar variation 588913 (VCV000588913.19), dbSNP rs770017263, ClinGen allele CA7352677.

ClinVar aggregate classification (germline): Likely benign. Review status: criteria provided, multiple submitters, no conflicts (2 of 4 stars). 4 submissions from 4 submitters: Likely benign (4). Last evaluated 2026-02-02.

Conditions:
Charcot-Marie-Tooth disease axonal type 2O. Also called: CHARCOT-MARIE-TOOTH NEUROPATHY, AXONAL, TYPE 2O; CHARCOT-MARIE-TOOTH DISEASE, AXONAL, AUTOSOMAL DOMINANT, TYPE 2O; Charcot-Marie-Tooth disease, axonal, type 20; Charcot-Marie-Tooth Neuropathy Type 2O. Identifiers: Orphanet 284232, MedGen C3280220, MONDO:0013644, OMIM 614228.
Inborn genetic diseases. Identifiers: MedGen C0950123, MeSH D030342.
DYNC1H1-related disorder. Also called: DYNC1H1-related condition; DYNC1H1-related disorders. Identifiers: MedGen CN381529.

Allele frequency attached by ClinVar (database versions not stated): ExAC 0.00001; gnomAD exomes 0.00002; gnomAD 0.00007; TOPMed 0.00014.
gnomAD v4.1: 39 of 1,614,208 alleles (0.0024%); highest among the groups gnomAD compares: Admixed American, 0.017%; no homozygotes.

Submissions (4):

Labcorp Genetics (formerly Invitae), Labcorp
Classification: Likely benign for Charcot-Marie-Tooth disease axonal type 2O. Last evaluated: 2026-02-02. Review status: criteria provided, single submitter. Criteria: Invitae Variant Classification Sherloc (09022015). Collection method: clinical testing. Allele origin: germline.

PreventionGenetics, part of Exact Sciences
Classification: Likely benign for DYNC1H1-related condition. Last evaluated: 2025-11-18. Review status: criteria provided, single submitter. Criteria: ACMG Guidelines, 2015. Collection method: clinical testing. Allele origin: germline.
Comment: This variant is classified as likely benign based on ACMG/AMP sequence variant interpretation guidelines (Richards et al. 2015 PMID: 25741868, with internal and published modifications).

GeneDx
Classification: Likely benign. Last evaluated: 2019-11-25. Review status: criteria provided, single submitter. Criteria: GeneDx Variant Classification Process June 2021. Collection method: clinical testing. Allele origin: germline. Affected: yes.

Ambry Genetics
Classification: Likely benign for Inborn genetic diseases. Last evaluated: 2017-04-19. Review status: criteria provided, single submitter. Criteria: Ambry Variant Classification Scheme 2023. Collection method: clinical testing. Allele origin: germline.